The following is an entry in ClinVar:

NM_001323289.2(CDKL5):c.146-1G>T

Gene: CDKL5 (cyclin dependent kinase like 5; plus strand). Cytogenetic location: Xp22.13.
Variant type: single nucleotide variant.
Coding change: c.146-1G>T on transcript NM_001323289.2 (MANE Select); the canonical splice acceptor site of the intron before coding-DNA position 146, G replaced by T.
Molecular consequence: splice acceptor variant.
Genome position (GRCh38, 1-based): chrX:18,575,353, G>T. VCF-style: chrX-18575353-G-T. GRCh37 (hg19) VCF-style: chrX-18593473-G-T.
Other names: c.146-1G>T (NM_003159.3, NM_001037343.2).
Identifiers: ClinVar variation 1803016 (VCV001803016.2), dbSNP rs587783399, ClinGen allele CA412348442.

ClinVar aggregate classification (germline): Pathogenic. Review status: criteria provided, multiple submitters, no conflicts (2 of 4 stars). 3 submissions from 3 submitters: Pathogenic (3). Last evaluated 2025-06-15.

Conditions:
Angelman syndrome-like. Identifiers: MedGen CN128785.
Developmental and epileptic encephalopathy, 2 (DEE2). Also called: CDKL5 deficiency disorder; INFANTILE SPASM SYNDROME, X-LINKED 2. Identifiers: Orphanet 1934, Orphanet 3451, Orphanet 505652, MedGen C4750718, MONDO:0010396, OMIM 300672.
Rett syndrome (RTT). Also called: AUTISM, DEMENTIA, ATAXIA, AND LOSS OF PURPOSEFUL HAND USE; Rett's disorder. Identifiers: Orphanet 3095, Orphanet 778, MedGen C0035372, MONDO:0010726, OMIM 312750.

Submissions (3):

Labcorp Genetics (formerly Invitae), Labcorp
Classification: Pathogenic for Developmental and epileptic encephalopathy, 2; Angelman syndrome-like. Last evaluated: 2025-06-15. Review status: criteria provided, single submitter. Criteria: Invitae Variant Classification Sherloc (09022015). Collection method: clinical testing. Allele origin: germline.
Comment: This sequence change affects an acceptor splice site in intron 4 of the CDKL5 gene. It is expected to disrupt RNA splicing. Variants that disrupt the donor or acceptor splice site typically lead to a loss of protein function (PMID: 16199547), and loss-of-function variants in CDKL5 are known to be pathogenic (PMID: 22872100). This variant is not present in population databases (gnomAD no frequency). Disruption of this splice site has been observed in individual(s) with developmental and epileptic encephalopathy (PMID: 32139178). In at least one individual the variant was observed to be de novo. This variant is also known as c.146+1G>T. ClinVar contains an entry for this variant (Variation ID: 1803016). Algorithms developed to predict the effect of sequence changes on RNA splicing suggest that this variant may disrupt the consensus splice site. For these reasons, this variant has been classified as Pathogenic.

Centre for Population Genomics, CPG
Classification: Pathogenic for Rett syndrome. Last evaluated: 2025-01-13. Review status: criteria provided, single submitter. Criteria: McKnight et al. (Hum Mutat. 2022). Collection method: curation. Allele origin: germline. Inheritance: X-linked inheritance.
Comment: Based on the classification scheme defined by the ClinGen Rett/Angelman-like Expert Panel for Rett/AS-like Disorders Specifications to the ACMG/AMP Variant Interpretation Guidelines VCEP 3.0, this variant is classified as pathogenic. At least the following criteria are met: Predicted to result in loss of function, and LOF is a known mechanism of disease (PVS1). This variant has been identified as a de novo occurrence in an individual with Rett syndrome without confirmation of paternity and maternity (PM6) (PMID: 36619507). This variant is absent from gnomAD (PM2_Supporting).

Diagnostic Genetics, Severance Hospital, Yonsei University College of Medicine
Classification: Pathogenic for Developmental and epileptic encephalopathy, 2. Last evaluated: 2022-02-03. Review status: criteria provided, single submitter. Criteria: ACMG Guidelines, 2015. Collection method: clinical testing. Allele origin: de novo. Affected: yes.

Literature cited by the submitters: PubMed 16199547 (cited by Labcorp Genetics (formerly Invitae), Labcorp); PubMed 22872100 (cited by Labcorp Genetics (formerly Invitae), Labcorp); PubMed 32139178 (cited by Labcorp Genetics (formerly Invitae), Labcorp).